The following is an entry in ClinVar:

NM_007194.4(CHEK2):c.1581del (p.Glu528fs)

Gene: CHEK2 (checkpoint kinase 2; minus strand). Cytogenetic location: 22q12.1.
Variant type: Deletion.
Coding change: c.1581del on transcript NM_007194.4 (MANE Select); coding-DNA position 1581, one base deleted (C; older notation c.1581delC).
Protein change: p.Glu528fs; shifts the reading frame from glutamic acid 528.
Molecular consequence: frameshift variant.
Genome position (GRCh38, 1-based): chr22:28,687,948, G deleted on the plus strand (C on the coding strand, the reverse complement: CHEK2 is on the minus strand); the first of 2 consecutive G bases (chr22:28,687,948-28,687,949); deleting either gives the same sequence. VCF-style (leftmost placement, unchanged base first): chr22-28687947-CG-C. GRCh37 (hg19) VCF-style: chr22-29083935-CG-C.
Other names: c.1709delC, p.Glu571Argfs (NM_001005735.3); c.917delC, p.Glu307Argfs (NM_001257387.3); c.1379delC, p.Glu461Argfs (NM_001349956.3); c.1493delC, p.Glu499Argfs (NM_145862.3); short protein forms E307fs, E461fs, E499fs, E571fs, E528fs.
Identifiers: ClinVar variation 1525225 (VCV001525225.7), dbSNP rs2145738231, ClinGen allele CA2573157923.

ClinVar aggregate classification (germline): Uncertain significance (1 of 4 stars; one submission).

Conditions:
Familial cancer of breast. Also called: BREAST CANCER, FAMILIAL; hereditary breast carcinoma; Hereditary breast cancer. Identifiers: Orphanet 227535, MedGen C0346153, MONDO:0016419, OMIM 114480. Disease mechanism: loss of function.

Submission:

Labcorp Genetics (formerly Invitae), Labcorp
Classification: Uncertain significance for Familial cancer of breast. Last evaluated: 2021-10-13. Review status: criteria provided, single submitter. Criteria: Invitae Variant Classification Sherloc (09022015). Collection method: clinical testing. Allele origin: germline.
Comment: In summary, the available evidence is currently insufficient to determine the role of this variant in disease. Therefore, it has been classified as a Variant of Uncertain Significance. This variant has not been reported in the literature in individuals affected with CHEK2-related conditions. This variant is not present in population databases (ExAC no frequency). This sequence change results in a frameshift in the CHEK2 gene (p.Glu528Argfs*38). While this is not anticipated to result in nonsense mediated decay, it is expected to disrupt the last 16 amino acid(s) of the CHEK2 protein and extend the protein by 21 additional amino acid residues.